The following is an entry in ClinVar:

NM_001012301.4(ARSI):c.123C>T (p.Ala41=)

Gene: ARSI (arylsulfatase family member I; minus strand). Cytogenetic location: 5q32.
Variant type: single nucleotide variant.
Coding change: c.123C>T on transcript NM_001012301.4 (MANE Select); coding-DNA position 123, C replaced by T.
Protein change: p.Ala41=; no amino-acid change (alanine 41 retained).
Molecular consequence: synonymous variant.
Genome position (GRCh38, 1-based): chr5:150,302,251, G>A on the plus strand (C>T on the coding strand, the complement: ARSI is on the minus strand). VCF-style: chr5-150302251-G-A. GRCh37 (hg19) VCF-style: chr5-149681814-G-A.
Identifiers: ClinVar variation 3050253 (VCV003050253.2), dbSNP rs2532427971, ClinGen allele CA447407721.
Genomic context (GRCh38, chr5:150,302,251, plus strand): 5'-GTCGTGGTAGCCTTGGTCGTCCGTGAGGATGAAGATGATGTGGGGAGGCTGGGGCGGAGC[G>A]GCCGAGGGCTGCTCGCCAGCCTCCCCGGGCCCGTCGGCCACGAAGCTCGGCTTGGCCCAG-3'
Protein context (NP_001012301.1, residues 31-51): GPGEAGEQPS[Ala41=]APPQPPHIIF

ClinVar aggregate classification (germline): Likely benign (0 of 4 stars; one submission).

Conditions:
ARSI-related disorder. Also called: ARSI-related condition.

Allele frequency attached by ClinVar (database versions not stated): gnomAD exomes below 0.00001.

Submission:

PreventionGenetics, part of Exact Sciences
Classification: Likely benign for ARSI-related condition. Last evaluated: 2019-07-09. Review status: no assertion criteria provided. Collection method: clinical testing. Allele origin: germline.
Comment: This variant is classified as likely benign based on ACMG/AMP sequence variant interpretation guidelines (Richards et al. 2015 PMID: 25741868, with internal and published modifications).